The following is an entry in ClinVar:

NM_144701.3(IL23R):c.1021A>G (p.Ile341Val)

Gene: IL23R (interleukin 23 receptor; plus strand). Cytogenetic location: 1p31.3.
Variant type: single nucleotide variant.
Coding change: c.1021A>G on transcript NM_144701.3 (MANE Select); coding-DNA position 1021, A replaced by G.
Protein change: p.Ile341Val; replaces isoleucine 341 with valine.
Molecular consequence: missense variant.
Genome position (GRCh38, 1-based): chr1:67,236,778, A>G. VCF-style: chr1-67236778-A-G. GRCh37 (hg19) VCF-style: chr1-67702461-A-G.
Other names: short protein forms I341V.
Identifiers: ClinVar variation 2069006 (VCV002069006.4), dbSNP rs373821085, ClinGen allele CA899910.
Genomic context (GRCh38, chr1:67,236,778, plus strand): 5'-CAGGTCACATCAAAAGCATTCCAACATGACACATGGAATTCTGGGCTAACAGTTGCTTCC[A>G]TCTCTACAGGGCACCTTACTTCTGGTAAGAAAATACAACTTAGGCTTTTTGAGTAGTCTT-3'
Protein context (NP_653302.2, residues 331-351): TWNSGLTVAS[Ile341Val]STGHLTSDNR

ClinVar aggregate classification (germline): Uncertain significance (1 of 4 stars; one submission).

Allele frequency attached by ClinVar (database versions not stated): ExAC 0.00001; ESP Exome Variant Server 0.00008.
gnomAD v4.1: 1 of 1,612,274 alleles (0.000062%); highest among the groups gnomAD compares: East Asian, 0.0022%; no homozygotes.

Submission:

Labcorp Genetics (formerly Invitae), Labcorp
Classification: Uncertain significance. Last evaluated: 2025-07-28. Review status: criteria provided, single submitter. Criteria: Invitae Variant Classification Sherloc (09022015). Collection method: clinical testing. Allele origin: germline.
Comment: This sequence change replaces isoleucine, which is neutral and non-polar, with valine, which is neutral and non-polar, at codon 341 of the IL23R protein (p.Ile341Val). This variant is present in population databases (rs373821085, gnomAD 0.007%). This variant has not been reported in the literature in individuals affected with IL23R-related conditions. ClinVar contains an entry for this variant (Variation ID: 2069006). An algorithm developed to predict the effect of missense changes on protein structure and function outputs the following: PolyPhen-2: "Benign". The valine amino acid residue is found in multiple mammalian species, which suggests that this missense change does not adversely affect protein function. In summary, the available evidence is currently insufficient to determine the role of this variant in disease. Therefore, it has been classified as a Variant of Uncertain Significance.